The following is an entry in ClinVar:

NM_012330.4(KAT6B):c.4911_4921del (p.Val1638fs)

Gene: KAT6B (lysine acetyltransferase 6B; plus strand). Cytogenetic location: 10q22.2.
Variant type: Microsatellite.
Coding change: c.4911_4921del on transcript NM_012330.4 (MANE Select); coding-DNA positions 4911 to 4921, 11 bases deleted (AGTGCCATCTC).
Protein change: p.Val1638fs; shifts the reading frame from valine 1638.
Molecular consequence: frameshift variant.
Genome position (GRCh38, 1-based): chr10:75,029,735-75,029,745, AGTGCCATCTC deleted; deleting any 11 consecutive bases within chr10:75,029,724-75,029,745 gives the same sequence; the c. name uses the placement nearest the transcript's 3' end. VCF-style (leftmost placement, unchanged base first): chr10-75029723-AAGTGCCATCTC-A. GRCh37 (hg19) VCF-style: chr10-76789481-AAGTGCCATCTC-A.
Other names: c.4911_4921del (NM_012330.3); c.4362_4372del, p.Val1455fs (NM_001256468.2, NM_001370138.1); c.4035_4045del, p.Val1346fs (NM_001256469.2, NM_001370139.1, NM_001370140.1 and 2 more transcripts); c.3873_3883del, p.Val1292fs (NM_001370132.1); c.3222_3232del, p.Val1075fs (NM_001370133.1); c.2826_2836del, p.Val943fs (NM_001370134.1); c.2568_2578del, p.Val857fs (NM_001370135.1); c.4911_4921del, p.Val1638fs (NM_001370136.1, NM_001370137.1); and 1 more; short protein forms V1075fs, V1283fs, V857fs, V1346fs, V1455fs, V943fs, V1292fs, V1638fs.
Identifiers: ClinVar variation 140476 (VCV000140476.41), dbSNP rs199470480, ClinGen allele CA232612.

ClinVar aggregate classification (germline): Pathogenic/Likely pathogenic. Review status: criteria provided, multiple submitters, no conflicts (2 of 4 stars). 5 submissions from 5 submitters: Pathogenic (1); Likely pathogenic (2). 2 of the submissions do not count toward it. Last evaluated 2024-08-11.

Conditions:
Blepharophimosis - intellectual disability syndrome, SBBYS type (SBBYSS). Also called: Say-Barber-Biesecker variant of Ohdo syndrome (SBBYSS); Say-Barber-Biesecker Variant of Ohdo Syndrome; Ohdo syndrome, SBBYS variant; SBBYSS syndrome; Say-Barber-Biesecker-Young-Simpson syndrome; Young Simpson syndrome. Identifiers: Orphanet 3047, MedGen C1863557, MONDO:0011365, OMIM 603736.

Submissions (5):

GeneDx
Classification: Pathogenic. Last evaluated: 2024-08-11. Review status: criteria provided, single submitter. Criteria: GeneDx Variant Classification Process June 2021. Collection method: clinical testing. Allele origin: germline. Affected: yes.
Comment: Frameshift variant predicted to result in abnormal protein length as the last 436 amino acids are replaced with 26 different amino acids, and other similar variants have been reported in HGMD; Not observed at significant frequency in large population cohorts (gnomAD); This variant is associated with the following publications: (PMID: 22077973, 35991575, Daniels2023[Poster], 25424711)

CeGaT Center for Human Genetics Tuebingen
Classification: Likely pathogenic. Last evaluated: 2021-12-01. Review status: criteria provided, single submitter. Criteria: CeGaT Center For Human Genetics Tuebingen Variant Classification Criteria Version 2. Collection method: clinical testing. Allele origin: germline. Affected: yes. Observed: 1 variant allele.

Juno Genomics, Hangzhou Juno Genomics, Inc
Classification: Likely pathogenic for Blepharophimosis - intellectual disability syndrome, SBBYS type. Review status: criteria provided, single submitter. Criteria: ACMG Guidelines, 2015. Collection method: clinical testing. Allele origin: germline.
Comment: Absent from controls (or at extremely low frequency if recessive) in Genome Aggregation Database.;Null variant in a gene where loss of function (LOF) is a known mechanism of disease.;Assumed de novo, but without confirmation of paternity and maternity.;Patient's phenotype or family history is highly specific for a disease with a single genetic etiology.

Department of Rehabilitation Medicine, Incheon St. Mary’s Hospital, College of Medicine, The Catholic University of Korea
Classification: Pathogenic for Blepharophimosis - intellectual disability syndrome, SBBYS type. Review status: no assertion criteria provided. Collection method: clinical testing. Allele origin: unknown. Affected: yes. Not counted in ClinVar's aggregate classification.

Lee Lab(KAT6B), Baylor College of Medicine
No classification provided. Review status: no classification provided. Collection method: not provided. Allele origin: unknown. Not counted in ClinVar's aggregate classification.